The following is an entry in ClinVar:

NM_002017.5(FLI1):c.722-1G>A

Gene: FLI1 (Fli-1 proto-oncogene, ETS transcription factor; plus strand). Cytogenetic location: 11q24.3.
Variant type: single nucleotide variant.
Coding change: c.722-1G>A on transcript NM_002017.5 (MANE Select); the canonical splice acceptor site of the intron before coding-DNA position 722, G replaced by A.
Molecular consequence: splice acceptor variant. On other transcripts: intron variant (1).
Genome position (GRCh38, 1-based): chr11:128,807,179, G>A. VCF-style: chr11-128807179-G-A. GRCh37 (hg19) VCF-style: chr11-128677074-G-A.
Other names: c.623-1G>A (NM_001440370.1, NM_001440371.1, NM_001440369.1 and 1 more transcripts); c.143-1G>A (NM_001271012.2); c.524-1G>A (NM_001271010.2); c.656-1978G>A (NM_001440372.1).
Identifiers: ClinVar variation 4717470 (VCV004717470.1).

ClinVar aggregate classification (germline): Uncertain significance (1 of 4 stars; one submission).

Submission:

Labcorp Genetics (formerly Invitae), Labcorp
Classification: Uncertain significance. Last evaluated: 2025-04-13. Review status: criteria provided, single submitter. Criteria: Invitae Variant Classification Sherloc (09022015). Collection method: clinical testing. Allele origin: germline.
Comment: This sequence change affects an acceptor splice site in intron 6 of the FLI1 gene. It is expected to disrupt RNA splicing. Variants that disrupt the donor or acceptor splice site typically lead to a loss of protein function (PMID: 16199547), however the current clinical and genetic evidence is not sufficient to establish whether loss-of-function variants in FLI1 cause disease. This variant is not present in population databases (gnomAD no frequency). This variant has not been reported in the literature in individuals affected with FLI1-related conditions. Algorithms developed to predict the effect of sequence changes on RNA splicing suggest that this variant may disrupt the consensus splice site. In summary, the available evidence is currently insufficient to determine the role of this variant in disease. Therefore, it has been classified as a Variant of Uncertain Significance.

Literature cited by the submitters: PubMed 16199547.